The following is an entry in ClinVar:

NM_052947.4(ALPK2):c.6467C>G (p.Thr2156Arg)

Gene: ALPK2 (alpha kinase 2; minus strand). Cytogenetic location: 18q21.31.
Variant type: single nucleotide variant.
Coding change: c.6467C>G on transcript NM_052947.4 (MANE Select); coding-DNA position 6467, C replaced by G.
Protein change: p.Thr2156Arg; replaces threonine 2156 with arginine.
Molecular consequence: missense variant.
Genome position (GRCh38, 1-based): chr18:58,481,869, G>C on the plus strand (C>G on the coding strand, the complement: ALPK2 is on the minus strand). VCF-style: chr18-58481869-G-C. GRCh37 (hg19) VCF-style: chr18-56149101-G-C.
Other names: short protein forms T2156R.
Identifiers: ClinVar variation 1753681 (VCV001753681.2), dbSNP rs201143538, ClinGen allele CA402538295.

ClinVar aggregate classification (germline): Uncertain significance (1 of 4 stars; one submission).

gnomAD v4.1: 1 of 1,614,036 alleles (0.000062%); highest among the groups gnomAD compares: East Asian, 0.0022%; no homozygotes.

Submission:

Ambry Genetics
Classification: Uncertain significance. Last evaluated: 2023-10-16. Review status: criteria provided, single submitter. Criteria: Ambry Variant Classification Scheme 2023. Collection method: clinical testing. Allele origin: germline.
Comment: The p.T2156R variant (also known as c.6467C>G), located in coding exon 12 of the ALPK2 gene, results from a C to G substitution at nucleotide position 6467. The threonine at codon 2156 is replaced by arginine, an amino acid with similar properties. This amino acid position is conserved. In addition, this alteration is predicted to be tolerated by in silico analysis. Since supporting evidence is limited at this time, the clinical significance of this alteration remains unclear.